The following is an entry in ClinVar:

NM_002907.4(RECQL):c.394G>C (p.Gly132Arg)

Gene: RECQL (RecQ like helicase; minus strand). Cytogenetic location: 12p12.1.
Variant type: single nucleotide variant.
Coding change: c.394G>C on transcript NM_002907.4 (MANE Select); coding-DNA position 394, G replaced by C.
Protein change: p.Gly132Arg; replaces glycine 132 with arginine.
Molecular consequence: missense variant.
Genome position (GRCh38, 1-based): chr12:21,490,199, C>G on the plus strand (G>C on the coding strand, the complement: RECQL is on the minus strand). VCF-style: chr12-21490199-C-G. GRCh37 (hg19) VCF-style: chr12-21643133-C-G.
Other names: c.394G>C, p.Gly132Arg (NM_032941.3); short protein forms G132R.
Identifiers: ClinVar variation 1736424 (VCV001736424.5), dbSNP rs1943382175, ClinGen allele CA384132069.

ClinVar aggregate classification (germline): Uncertain significance. Review status: criteria provided, multiple submitters, no conflicts (2 of 4 stars). 2 submissions from 2 submitters: Uncertain significance (2). Last evaluated 2024-09-05.

Submissions (2):

Ambry Genetics
Classification: Uncertain significance. Last evaluated: 2024-09-05. Review status: criteria provided, single submitter. Criteria: Ambry Variant Classification Scheme 2023. Collection method: clinical testing. Allele origin: germline.
Comment: The p.G132R variant (also known as c.394G>C), located in coding exon 3 of the RECQL gene, results from a G to C substitution at nucleotide position 394. The amino acid change results in glycine to arginine at codon 132, an amino acid with dissimilar properties. However, this change occurs in the last base pair of coding exon 3, which makes it likely to have some effect on normal mRNA splicing. This nucleotide position is highly conserved in available vertebrate species. In silico splice site analysis for this alteration is inconclusive. This amino acid position is highly conserved in available vertebrate species. In addition, as a missense substitution this is predicted to be deleterious by in silico analysis. Since supporting evidence is limited at this time, the clinical significance of this alteration remains unclear.

Labcorp Genetics (formerly Invitae), Labcorp
Classification: Uncertain significance. Last evaluated: 2024-06-19. Review status: criteria provided, single submitter. Criteria: Invitae Variant Classification Sherloc (09022015). Collection method: clinical testing. Allele origin: germline.
Comment: This sequence change replaces glycine, which is neutral and non-polar, with arginine, which is basic and polar, at codon 132 of the RECQL protein (p.Gly132Arg). This variant also falls at the last nucleotide of exon 4, which is part of the consensus splice site for this exon. This variant is not present in population databases (gnomAD no frequency). This variant has not been reported in the literature in individuals affected with RECQL-related conditions. ClinVar contains an entry for this variant (Variation ID: 1736424). An algorithm developed to predict the effect of missense changes on protein structure and function (PolyPhen-2) suggests that this variant is likely to be disruptive. Variants that disrupt the consensus splice site are a relatively common cause of aberrant splicing (PMID: 17576681, 9536098). Algorithms developed to predict the effect of sequence changes on RNA splicing suggest that this variant may disrupt the consensus splice site. In summary, the available evidence is currently insufficient to determine the role of this variant in disease. Therefore, it has been classified as a Variant of Uncertain Significance.

Literature cited by the submitters: PubMed 17576681 (cited by Labcorp Genetics (formerly Invitae), Labcorp); PubMed 9536098 (cited by Labcorp Genetics (formerly Invitae), Labcorp).